The following is an entry in ClinVar:

ClinVar aggregate classification (germline): Uncertain significance (1 of 4 stars; one submission).

gnomAD v4.1: 1 of 1,613,508 alleles (0.000062%); highest among the groups gnomAD compares: East Asian, 0.0022%; no homozygotes.

Submission:

Ambry Genetics
Classification: Uncertain significance. Last evaluated: 2025-06-10. Review status: criteria provided, single submitter. Criteria: Ambry Variant Classification Scheme 2023. Collection method: clinical testing. Allele origin: germline.
Comment: The p.E427G variant (also known as c.1280A>G), located in coding exon 8 of the CTNNA3 gene, results from an A to G substitution at nucleotide position 1280. The glutamic acid at codon 427 is replaced by glycine, an amino acid with similar properties. This amino acid position is conserved. In addition, this alteration is predicted to be deleterious by in silico analysis. Based on the available evidence, the clinical significance of this variant remains unclear.

NM_013266.4(CTNNA3):c.1280A>G (p.Glu427Gly)

Gene: CTNNA3 (catenin alpha 3; minus strand). Cytogenetic location: 10q21.3.
Variant type: single nucleotide variant.
Coding change: c.1280A>G on transcript NM_013266.4 (MANE Select); coding-DNA position 1280, A replaced by G.
Protein change: p.Glu427Gly; replaces glutamic acid 427 with glycine.
Molecular consequence: missense variant.
Genome position (GRCh38, 1-based): chr10:66,766,265, T>C on the plus strand (A>G on the coding strand, the complement: CTNNA3 is on the minus strand). VCF-style: chr10-66766265-T-C. GRCh37 (hg19) VCF-style: chr10-68526023-T-C.
Other names: c.1280A>G, p.Glu427Gly (NM_001127384.3); short protein forms E427G.
Identifiers: ClinVar variation 4008028 (VCV004008028.1).